The following is an entry in ClinVar:

ClinVar aggregate classification (germline): Likely benign (0 of 4 stars; one submission).

Conditions:
CELSR1-related disorder. Also called: CELSR1-related condition.

Allele frequency attached by ClinVar (database versions not stated): TOPMed 0.00001; 1000 Genomes Project 30x 0.00031.

Submission:

PreventionGenetics, part of Exact Sciences
Classification: Likely benign for CELSR1-related condition. Last evaluated: 2022-03-28. Review status: no assertion criteria provided. Collection method: clinical testing. Allele origin: germline.
Comment: This variant is classified as likely benign based on ACMG/AMP sequence variant interpretation guidelines (Richards et al. 2015 PMID: 25741868, with internal and published modifications).

NM_001378328.1(CELSR1):c.615G>C (p.Ala205=)

Gene: CELSR1 (cadherin EGF LAG seven-pass G-type receptor 1; minus strand). Cytogenetic location: 22q13.31.
Variant type: single nucleotide variant.
Coding change: c.615G>C on transcript NM_001378328.1 (MANE Select); coding-DNA position 615, G replaced by C.
Protein change: p.Ala205=; no amino-acid change (alanine 205 retained).
Molecular consequence: synonymous variant.
Genome position (GRCh38, 1-based): chr22:46,536,556, C>G on the plus strand (G>C on the coding strand, the complement: CELSR1 is on the minus strand). VCF-style: chr22-46536556-C-G. GRCh37 (hg19) VCF-style: chr22-46932453-C-G.
Other names: c.615G>C, p.Ala205= (NM_014246.4).
Identifiers: ClinVar variation 3029682 (VCV003029682.2), dbSNP rs955294489, ClinGen allele CA325177742.
Genomic context (GRCh38, chr22:46,536,556, plus strand): 5'-GGCTTCGGGCAAGTTCGGCGGCAGGGGCGGCGATGGGGATGGCGACGCGGAGGGCGTCCC[C>G]GCGGTGGCGGCCTCCAGCGCCAGTCCCACCCGGACGGCGCCAGCCGCGCGCCGCAGGGCG-3'
Protein context (NP_001365257.1, residues 195-215): RVGLALEAAT[Ala205=]GTPSASPSPS